The following is an entry in ClinVar:

NM_015100.4(POGZ):c.2811C>T (p.Ala937=)

Gene: POGZ (pogo transposable element derived with ZNF domain; minus strand). Cytogenetic location: 1q21.3.
Variant type: single nucleotide variant.
Coding change: c.2811C>T on transcript NM_015100.4 (MANE Select); coding-DNA position 2811, C replaced by T.
Protein change: p.Ala937=; no amino-acid change (alanine 937 retained).
Molecular consequence: synonymous variant.
Genome position (GRCh38, 1-based): chr1:151,406,224, G>A on the plus strand (C>T on the coding strand, the complement: POGZ is on the minus strand). VCF-style: chr1-151406224-G-A. GRCh37 (hg19) VCF-style: chr1-151378700-G-A.
Other names: c.2784C>T, p.Ala928= (NM_001194937.2); c.2625C>T, p.Ala875= (NM_001194938.2); c.2832C>T, p.Ala944= (NM_001410860.1); c.2526C>T, p.Ala842= (NM_145796.4); c.2652C>T, p.Ala884= (NM_207171.2).
Identifiers: ClinVar variation 3039256 (VCV003039256.2), dbSNP rs200439809, ClinGen allele CA1091058.

ClinVar aggregate classification (germline): Likely benign (0 of 4 stars; one submission).

Conditions:
POGZ-related disorder. Also called: POGZ-related condition.

Allele frequency attached by ClinVar (database versions not stated): ExAC 0.00001; gnomAD exomes 0.00001; gnomAD 0.00009; TOPMed 0.00010; 1000 Genomes Project 30x 0.00016; 1000 Genomes Project 0.00020.

Submission:

PreventionGenetics, part of Exact Sciences
Classification: Likely benign for POGZ-related condition. Last evaluated: 2019-05-20. Review status: no assertion criteria provided. Collection method: clinical testing. Allele origin: germline.
Comment: This variant is classified as likely benign based on ACMG/AMP sequence variant interpretation guidelines (Richards et al. 2015 PMID: 25741868, with internal and published modifications).